The following is an entry in ClinVar:

NM_177924.5(ASAH1):c.863C>G (p.Ser288Cys)

Gene: ASAH1 (N-acylsphingosine amidohydrolase 1; minus strand). Cytogenetic location: 8p22.
Variant type: single nucleotide variant.
Coding change: c.863C>G on transcript NM_177924.5 (MANE Select); coding-DNA position 863, C replaced by G.
Protein change: p.Ser288Cys; replaces serine 288 with cysteine.
Molecular consequence: missense variant.
Genome position (GRCh38, 1-based): chr8:18,059,626, G>C on the plus strand (C>G on the coding strand, the complement: ASAH1 is on the minus strand). VCF-style: chr8-18059626-G-C. GRCh37 (hg19) VCF-style: chr8-17917135-G-C.
Other names: c.845C>G, p.Ser282Cys (NM_001127505.3); c.668C>G, p.Ser223Cys (NM_001363743.2); c.911C>G, p.Ser304Cys (NM_004315.6); short protein forms S282C, S288C, S223C, S304C.
Identifiers: ClinVar variation 3630866 (VCV003630866.2).

ClinVar aggregate classification (germline): Uncertain significance (1 of 4 stars; one submission).

gnomAD v4.1: 3 of 1,614,136 alleles (0.00019%); highest among the groups gnomAD compares: South Asian, 0.0011%; no homozygotes.

Submission:

Labcorp Genetics (formerly Invitae), Labcorp
Classification: Uncertain significance. Last evaluated: 2024-02-24. Review status: criteria provided, single submitter. Criteria: Invitae Variant Classification Sherloc (09022015). Collection method: clinical testing. Allele origin: germline.
Comment: This sequence change replaces serine, which is neutral and polar, with cysteine, which is neutral and slightly polar, at codon 288 of the ASAH1 protein (p.Ser288Cys). This variant is not present in population databases (gnomAD no frequency). This variant has not been reported in the literature in individuals affected with ASAH1-related conditions. Advanced modeling of protein sequence and biophysical properties (such as structural, functional, and spatial information, amino acid conservation, physicochemical variation, residue mobility, and thermodynamic stability) performed at Invitae indicates that this missense variant is not expected to disrupt ASAH1 protein function with a negative predictive value of 80%. In summary, the available evidence is currently insufficient to determine the role of this variant in disease. Therefore, it has been classified as a Variant of Uncertain Significance.